The following is an entry in ClinVar:

NM_002485.5(NBN):c.1276A>G (p.Ile426Val)

Gene: NBN (nibrin; minus strand). Cytogenetic location: 8q21.3.
Variant type: single nucleotide variant.
Coding change: c.1276A>G on transcript NM_002485.5 (MANE Select); coding-DNA position 1276, A replaced by G.
Protein change: p.Ile426Val; replaces isoleucine 426 with valine.
Molecular consequence: missense variant.
Genome position (GRCh38, 1-based): chr8:89,955,404, T>C on the plus strand (A>G on the coding strand, the complement: NBN is on the minus strand). VCF-style: chr8-89955404-T-C. GRCh37 (hg19) VCF-style: chr8-90967632-T-C.
Other names: c.1030A>G, p.Ile344Val (NM_001024688.3); short protein forms I344V, I426V.
Identifiers: ClinVar variation 3877896 (VCV003877896.1).

ClinVar aggregate classification (germline): Uncertain significance (1 of 4 stars; one submission).

Conditions:
Hereditary cancer-predisposing syndrome. Also called: Tumor predisposition; Neoplastic Syndromes, Hereditary; Hereditary Cancer Syndrome; Hereditary neoplastic syndrome. Identifiers: Orphanet 140162, MedGen C0027672, MeSH D009386, MONDO:0015356.

gnomAD v4.1: 2 of 1,613,896 alleles (0.00012%); highest among the groups gnomAD compares: Non-Finnish European, 0.00017%; no homozygotes.

Submission:

Ambry Genetics
Classification: Uncertain significance for Hereditary cancer-predisposing syndrome. Last evaluated: 2025-01-14. Review status: criteria provided, single submitter. Criteria: Ambry Variant Classification Scheme 2023. Collection method: clinical testing. Allele origin: germline.
Comment: The p.I426V variant (also known as c.1276A>G), located in coding exon 10 of the NBN gene, results from an A to G substitution at nucleotide position 1276. The isoleucine at codon 426 is replaced by valine, an amino acid with highly similar properties. This amino acid position is conserved. In addition, this alteration is predicted to be tolerated by in silico analysis. Based on the available evidence, the clinical significance of this variant remains unclear.